The following is an entry in ClinVar:

ClinVar aggregate classification (germline): Pathogenic (1 of 4 stars; one submission).

Conditions:
Dihydropyrimidine dehydrogenase deficiency (DPYDD). Also called: DPD DEFICIENCY; DPYD DEFICIENCY; Hereditary Thymine-Uraciluria. Identifiers: Orphanet 1675, MedGen C1959620, MONDO:0010130, OMIM 274270.

Submission:

Myriad Genetics, Inc.
Classification: Pathogenic for Dihydropyrimidine dehydrogenase deficiency. Last evaluated: 2023-12-03. Review status: criteria provided, single submitter. Criteria: Myriad Autosomal Dominant, Autosomal Recessive and X-Linked Classification Criteria (2023). Collection method: clinical testing. Allele origin: unknown.
Comment: NM_000110.3(DPYD):c.118_131del14(H40Sfs*2) is expected to be pathogenic in the context of dihydropyrimidine dehydrogenase deficiency. This variant is predicted to lead to an abnormal or absent protein product due to the creation of a premature termination codon in DPYD, a gene where loss-of-function variants are known to be pathogenic. Please note: this variant was assessed in the context of healthy population screening.

NM_000110.4(DPYD):c.118_131del (p.His40fs)

Gene: DPYD (dihydropyrimidine dehydrogenase; minus strand). Cytogenetic location: 1p21.3.
Variant type: Deletion.
Coding change: c.118_131del on transcript NM_000110.4 (MANE Select); coding-DNA positions 118 to 131, 14 bases deleted (CATTGGAAAAGAAA).
Protein change: p.His40fs; shifts the reading frame from histidine 40.
Molecular consequence: frameshift variant.
Genome position (GRCh38, 1-based): chr1:97,883,283-97,883,296, TTTCTTTTCCAATG deleted on the plus strand (CATTGGAAAAGAAA on the coding strand, the reverse complement: DPYD is on the minus strand); deleting any 14 consecutive bases within chr1:97,883,283-97,883,302 gives the same sequence; the c. name uses the placement nearest the transcript's 3' end. VCF-style (leftmost placement, unchanged base first): chr1-97883282-ATTTCTTTTCCAATG-A. GRCh37 (hg19) VCF-style: chr1-98348838-ATTTCTTTTCCAATG-A.
Other names: c.118_131del, p.His40fs (NM_001160301.1); short protein forms H40fs.
Identifiers: ClinVar variation 5012535 (VCV005012535.1).